The following is an entry in ClinVar:

NM_000350.3(ABCA4):c.4253+5G>T

Gene: ABCA4 (ATP binding cassette subfamily A member 4; minus strand). Cytogenetic location: 1p22.1.
Variant type: single nucleotide variant.
Coding change: c.4253+5G>T on transcript NM_000350.3 (MANE Select); 5 bases into the intron after coding-DNA position 4253, G replaced by T.
Molecular consequence: intron variant.
Genome position (GRCh38, 1-based): chr1:94,030,991, C>A on the plus strand (G>T on the coding strand, the complement: ABCA4 is on the minus strand). VCF-style: chr1-94030991-C-A. GRCh37 (hg19) VCF-style: chr1-94496547-C-A.
Identifiers: ClinVar variation 99267 (VCV000099267.20), dbSNP rs61750138, ClinGen allele CA227174.
Genomic context (GRCh38, chr1:94,030,991, plus strand): 5'-TAAGCAGCATGTGACCCAGGTGCCCCAAACCCACAGAGGAGAATGGTGACCCCGAGTCCG[C>A]GCACCTGAAGAAGGTGTACTGCTGCCCATATATCCAGGGGTGAAGGGTCAAAGCGGGGTA-3'

ClinVar aggregate classification (germline): Pathogenic. Review status: criteria provided, multiple submitters, no conflicts (2 of 4 stars). 7 submissions from 7 submitters: Pathogenic (4). 3 of the submissions do not count toward it. Last evaluated 2026-01-07.

Conditions:
ABCA4-related disorder. Also called: ABCA4-related condition; ABCA4-related disorders. Identifiers: MedGen CN239167.
Cone-rod dystrophy 3 (CORD3). Identifiers: Orphanet 1872, MedGen C1858806, MONDO:0011395, OMIM 604116.
Retinitis pigmentosa 19 (RP19). Also called: ABCA4-Related Retinitis Pigmentosa. Identifiers: Orphanet 791, MedGen C1866422, MONDO:0011137, OMIM 601718.
Severe early-childhood-onset retinal dystrophy (STGD1). Also called: MACULAR DYSTROPHY WITH FLECKS, TYPE 1; STGD; Stargardt disease 1; Stargardt macular dystrophy; Juvenile onset macular degeneration. Identifiers: Orphanet 364055, Orphanet 827, MedGen C1855465, MeSH D000080362, MONDO:0009549, OMIM 248200.
Age related macular degeneration 2. Also called: MACULAR DEGENERATION, SENILE; MACULOPATHY, AGE-RELATED, 2; MACULOPATHY, AGE-RELATED. Identifiers: MedGen C3495438, MONDO:0007932, OMIM 153800.

Allele frequency attached by ClinVar (database versions not stated): ExAC 0.00001.
gnomAD v4.1: 17 of 1,613,796 alleles (0.0011%); highest among the groups gnomAD compares: African/African-American, 0.0027%; no homozygotes.

Submissions (7):

Labcorp Genetics (formerly Invitae), Labcorp
Classification: Pathogenic. Last evaluated: 2026-01-07. Review status: criteria provided, single submitter. Criteria: Invitae Variant Classification Sherloc (09022015). Collection method: clinical testing. Allele origin: germline.
Comment: This sequence change falls in intron 28 of the ABCA4 gene. It does not directly change the encoded amino acid sequence of the ABCA4 protein. It affects a nucleotide within the consensus splice site. This variant is present in population databases (rs61750138, gnomAD 0.0009%). This variant has been observed in individuals with Stargardt disease (PMID: 9973280, 28041643; internal data). ClinVar contains an entry for this variant (Variation ID: 99267). Variants that disrupt the consensus splice site are a relatively common cause of aberrant splicing (PMID: 17576681, 9536098). Studies have shown that this variant alters mRNA splicing and is expected to lead to the loss of protein expression (PMID: 29162642). This variant disrupts the c.4253+5G nucleotide in the ABCA4 gene. Other variant(s) that disrupt this nucleotide have been determined to be pathogenic (PMID: 10958763, 11385708, 28041643, 29162642). This suggests that this nucleotide is clinically significant, and that variants that disrupt this position are likely to be disease-causing. For these reasons, this variant has been classified as Pathogenic.

Blueprint Genetics
Classification: Pathogenic for ABCA4-related disorders. Last evaluated: 2024-06-20. Review status: criteria provided, single submitter. Criteria: ACMG Guidelines, 2015. Collection method: clinical testing. Allele origin: germline. Affected: yes. Observed: 5 variant alleles.

Fulgent Genetics
Classification: Pathogenic for Age related macular degeneration 2; Severe early-childhood-onset retinal dystrophy; Retinitis pigmentosa 19; Cone-rod dystrophy 3. Last evaluated: 2024-04-27. Review status: criteria provided, single submitter. Criteria: ACMG Guidelines, 2015. Collection method: clinical testing. Allele origin: germline.

GeneDx
Classification: Pathogenic. Last evaluated: 2024-03-28. Review status: criteria provided, single submitter. Criteria: GeneDx Variant Classification Process June 2021. Collection method: clinical testing. Allele origin: germline. Affected: yes.
Comment: Published functional studies demonstrate significant aberrant splicing with skipping of exon 28 (PMID: 29162642); Not observed at significant frequency in large population cohorts (gnomAD); In-silico analysis is inconclusive as to whether the variant alters gene splicing; in the absence of RNA/functional studies, the actual effect of this sequence change is unknown; This variant is associated with the following publications: (PMID: 25525159, 35120629, 31964843, 36284460, 22247458, 9666097, 9973280, 23499370, 24550365, 28041643, 32581362, 29162642)

PreventionGenetics, part of Exact Sciences
Classification: Pathogenic for ABCA4-related condition. Last evaluated: 2023-12-11. Review status: no assertion criteria provided. Collection method: clinical testing. Allele origin: germline. Not counted in ClinVar's aggregate classification.
Comment: The ABCA4 c.4253+5G>T variant is predicted to interfere with splicing. This variant has been reported in individuals with Stargardt disease (Lewis et al. 1999. PubMed ID: 9973280; Supplemental data, Turro et al. 2020. PubMed ID: 32581362; Table S3, Suga et al. 2022. PubMed ID: 36284460). A functional study using a midigene splicing assay showed that this variant causes a significant decrease in correctly spliced mRNA (Sangermano et al. 2018. PubMed ID: 29162642). Alternate variants of this nucleotide and an adjacent nucleotide (c.4253+5G>A and c.4253+4C>T) have been reported in individuals with Stargardt disease (Rivera et al. 2000. PubMed ID: 10958763; Ozgul et al. 2004. PubMed ID: 15108289). This c.4253+5G>T variant has not been reported in a large population database, indicating this variant is rare. Given the evidence, we interpret this variant as pathogenic.

NIHR Bioresource Rare Diseases, University of Cambridge
Classification: Likely pathogenic. Last evaluated: 2015-01-01. Review status: no assertion criteria provided. Collection method: research. Allele origin: unknown. Affected: yes. Observed: 1 variant allele. Not counted in ClinVar's aggregate classification.

Retina International
No classification provided. Review status: no classification provided. Collection method: not provided. Allele origin: not provided. Not counted in ClinVar's aggregate classification.

Literature cited by the submitters: PubMed 9973280 (cited by Labcorp Genetics (formerly Invitae), Labcorp and NIHR Bioresource Rare Diseases, University of Cambridge); PubMed 28041643 (cited by Labcorp Genetics (formerly Invitae), Labcorp and NIHR Bioresource Rare Diseases, University of Cambridge); PubMed 17576681 (cited by Labcorp Genetics (formerly Invitae), Labcorp); PubMed 9536098 (cited by Labcorp Genetics (formerly Invitae), Labcorp); PubMed 29162642 (cited by Labcorp Genetics (formerly Invitae), Labcorp); PubMed 10958763 (cited by Labcorp Genetics (formerly Invitae), Labcorp); PubMed 11385708 (cited by Labcorp Genetics (formerly Invitae), Labcorp).